The following is an entry in ClinVar:

GRCh37/hg19 11p13(chr11:31501986-31578568)x1

Genes: ELP4 (elongator acetyltransferase complex subunit 4; plus strand), IMMP1L (inner mitochondrial membrane peptidase subunit 1; minus strand). Cytogenetic location: 11p13.
Variant type: copy number loss.
Change: copy number 1 (one copy instead of two) of chr11:31,501,986-31,578,568 (76.6 kb, GRCh37 coordinates, 1-based), cytogenetic band 11p13.
Identifiers: ClinVar variation 2685404 (VCV002685404.1).

ClinVar aggregate classification (germline): Likely pathogenic (1 of 4 stars; one submission).

Submission:

Quest Diagnostics Nichols Institute San Juan Capistrano
Classification: Likely pathogenic. Last evaluated: 2022-07-22. Review status: criteria provided, single submitter. Criteria: ACMG/ClinGen CNV Guidelines, 2019. Collection method: clinical testing. Allele origin: unknown.
Comment: This deletion interval involves the IMMP1L (OMIM 612323) and ELP4 (OMIM 606985) genes. Emerging data suggests partial ELP4 deletions may be a risk factor for a range of neurodevelopmental phenotypes (chromosome 11p13 deletion syndrome, distal; OMIM 616902) (Addis L et al., Hum Mutat. 2015 Sep;36(9):842-50. PMID: 26010655). There are additional reports of patients with aniridia with copy number variants that involve a portion of ELP4 and other genes including IMMP1L (Blanco-Kelly PLoS One. 2017 Feb 23;12(2):e0172363 . PMID: 28231309; Sannan et al. Can J Ophthalmol. 2017 Dec;52(6):570-577. PMID: 29217025; Richardson et al. Eur J Hum Genet. 2016 Nov; 24(11). PMID: 27381094; Cheng et al. Mol Vis. 2011 Feb 10;17:448-55. PMID: 21321669).